The following is an entry in ClinVar:

ClinVar aggregate classification (germline): Conflicting classifications of pathogenicity. Review status: criteria provided, conflicting classifications (1 of 4 stars). 8 submissions from 8 submitters: Uncertain significance (4); Likely benign (4). Last evaluated 2026-02-01.

Conditions:
Connective tissue disorder. Also called: Connective tissue disease. Identifiers: MedGen C0009782, MONDO:0003900.
FLNB-related disorder. Also called: FLNB-related disorders; FLNB-related condition. Identifiers: MedGen CN381095.
Inborn genetic diseases. Identifiers: MedGen C0950123, MeSH D030342.
FLNB-Related Spectrum Disorders.

Allele frequency attached by ClinVar (database versions not stated): ESP Exome Variant Server 0.00008; 1000 Genomes Project 30x 0.00031; 1000 Genomes Project 0.00040; gnomAD 0.00042 and 0.00043; TOPMed 0.00045; gnomAD exomes 0.00046 and 0.00076; ExAC 0.00049.
gnomAD v4.1: 1,165 of 1,614,200 alleles (0.072%); highest among the groups gnomAD compares: Non-Finnish European, 0.09%; no homozygotes.

Submissions (8):

Labcorp Genetics (formerly Invitae), Labcorp
Classification: Likely benign. Last evaluated: 2026-02-01. Review status: criteria provided, single submitter. Criteria: Invitae Variant Classification Sherloc (09022015). Collection method: clinical testing. Allele origin: germline.

PreventionGenetics, part of Exact Sciences
Classification: Uncertain significance for FLNB-related condition. Last evaluated: 2026-01-26. Review status: criteria provided, single submitter. Criteria: ACMG Guidelines, 2015. Collection method: clinical testing. Allele origin: germline.
Comment: The FLNB c.1196A>G variant is predicted to result in the amino acid substitution p.Lys399Arg. To our knowledge, this variant has not been reported in the literature. This variant is reported in 0.074% of alleles in individuals of European (Non-Finnish) descent in gnomAD. Although we suspect that this variant may be benign, at this time, the clinical significance of this variant is uncertain due to the absence of conclusive functional and genetic evidence.

ARUP Laboratories, Molecular Genetics and Genomics, ARUP Laboratories
Classification: Likely benign. Last evaluated: 2025-02-07. Review status: criteria provided, single submitter. Criteria: ARUP Molecular Germline Variant Investigation Process 2024. Collection method: clinical testing. Allele origin: germline.

CeGaT Center for Human Genetics Tuebingen
Classification: Likely benign. Last evaluated: 2024-04-01. Review status: criteria provided, single submitter. Criteria: CeGaT Center For Human Genetics Tuebingen Variant Classification Criteria Version 2. Collection method: clinical testing. Allele origin: germline. Affected: yes. Observed: 2 variant alleles.
Comment: FLNB: BP4

Ambry Genetics
Classification: Uncertain significance for Inborn genetic diseases. Last evaluated: 2021-01-07. Review status: criteria provided, single submitter. Criteria: Ambry Variant Classification Scheme 2023. Collection method: clinical testing. Allele origin: germline.
Comment: The c.1196A>G (p.K399R) alteration is located in exon 8 (coding exon 8) of the FLNB gene. This alteration results from a A to G substitution at nucleotide position 1196, causing the lysine (K) at amino acid position 399 to be replaced by an arginine (R). The p.K399R alteration is predicted to be tolerated by in silico analysis. Based on insufficient or conflicting evidence, the clinical significance of this alteration remains unclear.

GeneDx
Classification: Likely benign. Last evaluated: 2020-04-02. Review status: criteria provided, single submitter. Criteria: GeneDx Variant Classification Process June 2021. Collection method: clinical testing. Allele origin: germline. Affected: yes.

Genome Diagnostics Laboratory, The Hospital for Sick Children
Classification: Uncertain significance for Connective tissue disorder. Last evaluated: 2019-07-01. Review status: criteria provided, single submitter. Criteria: ACMG Guidelines, 2015. Collection method: clinical testing. Allele origin: germline.

Illumina Laboratory Services, Illumina
Classification: Uncertain significance for FLNB-Related Spectrum Disorders. Last evaluated: 2018-01-13. Review status: criteria provided, single submitter. Criteria: ICSL Variant Classification Criteria 13 December 2019. Collection method: clinical testing. Allele origin: germline.

NM_001457.4(FLNB):c.1196A>G (p.Lys399Arg)

Gene: FLNB (filamin B; plus strand). Cytogenetic location: 3p14.3.
Variant type: single nucleotide variant.
Coding change: c.1196A>G on transcript NM_001457.4 (MANE Select); coding-DNA position 1196, A replaced by G.
Protein change: p.Lys399Arg; replaces lysine 399 with arginine.
Molecular consequence: missense variant.
Genome position (GRCh38, 1-based): chr3:58,098,759, A>G. VCF-style: chr3-58098759-A-G. GRCh37 (hg19) VCF-style: chr3-58084486-A-G.
Other names: c.1196A>G, p.Lys399Arg (NM_001164317.2, NM_001164318.2, NM_001164319.2); short protein forms K399R.
Identifiers: ClinVar variation 449801 (VCV000449801.69), dbSNP rs145673747, ClinGen allele CA2467734.